The following is an entry in ClinVar:

ClinVar aggregate classification (germline): Uncertain significance. Review status: criteria provided, multiple submitters, no conflicts (2 of 4 stars). 3 submissions from 3 submitters: Uncertain significance (3). Last evaluated 2025-09-10.

Conditions:
Hereditary cancer-predisposing syndrome. Also called: Neoplastic Syndromes, Hereditary; Hereditary Cancer Syndrome; Tumor predisposition; Hereditary neoplastic syndrome. Identifiers: Orphanet 140162, MedGen C0027672, MeSH D009386, MONDO:0015356.
EGFR-related lung cancer (EGFR). Identifiers: MedGen CN130014.

Allele frequency attached by ClinVar (database versions not stated): gnomAD exomes below 0.00001.
gnomAD v4.1: 3 of 1,614,184 alleles (0.00019%); highest among the groups gnomAD compares: Non-Finnish European, 0.00025%; no homozygotes.

Submissions (3):

Labcorp Genetics (formerly Invitae), Labcorp
Classification: Uncertain significance for EGFR-related lung cancer. Last evaluated: 2025-09-10. Review status: criteria provided, single submitter. Criteria: Invitae Variant Classification Sherloc (09022015). Collection method: clinical testing. Allele origin: germline.
Comment: This sequence change replaces asparagine, which is neutral and polar, with serine, which is neutral and polar, at codon 808 of the EGFR protein (p.Asn808Ser). This variant is not present in population databases (gnomAD no frequency). This variant has not been reported in the literature in individuals affected with EGFR-related conditions. ClinVar contains an entry for this variant (Variation ID: 1039737). Invitae Evidence Modeling of protein sequence and biophysical properties (such as structural, functional, and spatial information, amino acid conservation, physicochemical variation, residue mobility, and thermodynamic stability) indicates that this missense variant is not expected to disrupt EGFR protein function with a negative predictive value of 80%. In summary, the available evidence is currently insufficient to determine the role of this variant in disease. Therefore, it has been classified as a Variant of Uncertain Significance.

Quest Diagnostics Nichols Institute San Juan Capistrano
Classification: Uncertain significance. Last evaluated: 2025-08-06. Review status: criteria provided, single submitter. Criteria: Quest Diagnostics criteria. Collection method: clinical testing. Allele origin: unknown.
Comment: The EGFR c.2423A>G (p.Asn808Ser) variant has not been reported in individuals with EGFR-related conditions in the published literature. This variant has not been reported in large, multi-ethnic general populations (Genome Aggregation Database). Analysis of this variant using bioinformatics tools for the prediction of the effect of amino acid changes on protein structure and function yielded predictions that this variant is benign. Based on the available information, we are unable to determine the clinical significance of this variant.

Ambry Genetics
Classification: Uncertain significance for Hereditary cancer-predisposing syndrome. Last evaluated: 2025-05-14. Review status: criteria provided, single submitter. Criteria: Ambry Variant Classification Scheme 2023. Collection method: clinical testing. Allele origin: germline.
Comment: The p.N808S variant (also known as c.2423A>G), located in coding exon 20 of the EGFR gene, results from an A to G substitution at nucleotide position 2423. The asparagine at codon 808 is replaced by serine, an amino acid with highly similar properties. This amino acid position is well conserved in available vertebrate species. In addition, this alteration is predicted to be tolerated by in silico analysis. Based on the available evidence, the clinical significance of this variant remains unclear.

NM_005228.5(EGFR):c.2423A>G (p.Asn808Ser)

Genes: EGFR-AS1 (EGFR antisense RNA 1; minus strand), EGFR (epidermal growth factor receptor; plus strand). Cytogenetic location: 7p11.2.
Variant type: single nucleotide variant.
Coding change: c.2423A>G on transcript NM_005228.5 (MANE Select); coding-DNA position 2423, A replaced by G.
Protein change: p.Asn808Ser; replaces asparagine 808 with serine.
Molecular consequence: missense variant. On other transcripts: non-coding transcript variant (1).
Genome position (GRCh38, 1-based): chr7:55,181,432, A>G. VCF-style: chr7-55181432-A-G. GRCh37 (hg19) VCF-style: chr7-55249125-A-G.
Other names: c.2423A>G (NM_005228.3, NM_005228.4); c.2288A>G, p.Asn763Ser (NM_001346897.2, NM_001346899.2); c.2423A>G, p.Asn808Ser (NM_001346898.2); c.2264A>G, p.Asn755Ser (NM_001346900.2); c.1622A>G, p.Asn541Ser (NM_001346941.2); short protein forms N541S, N755S, N808S, N763S.
Identifiers: ClinVar variation 1039737 (VCV001039737.10), dbSNP rs1786870894, ClinGen allele CA367578970.